The following is an entry in ClinVar:

ClinVar aggregate classification (germline): Uncertain significance (1 of 4 stars; one submission).

Submission:

Labcorp Genetics (formerly Invitae), Labcorp
Classification: Uncertain significance. Last evaluated: 2022-05-18. Review status: criteria provided, single submitter. Criteria: Invitae Variant Classification Sherloc (09022015). Collection method: clinical testing. Allele origin: germline.
Comment: This sequence change replaces lysine, which is basic and polar, with glutamic acid, which is acidic and polar, at codon 2154 of the OTOG protein (p.Lys2154Glu). This variant is not present in population databases (gnomAD no frequency). This variant has not been reported in the literature in individuals affected with OTOG-related conditions. Algorithms developed to predict the effect of missense changes on protein structure and function are either unavailable or do not agree on the potential impact of this missense change (SIFT: "Deleterious"; PolyPhen-2: "Probably Damaging"; Align-GVGD: "Class C0"). In summary, the available evidence is currently insufficient to determine the role of this variant in disease. Therefore, it has been classified as a Variant of Uncertain Significance.

NM_001292063.2(OTOG):c.6424A>G (p.Lys2142Glu)

Gene: OTOG (otogelin; plus strand). Cytogenetic location: 11p15.1.
Variant type: single nucleotide variant.
Coding change: c.6424A>G on transcript NM_001292063.2 (MANE Select); coding-DNA position 6424, A replaced by G.
Protein change: p.Lys2142Glu; replaces lysine 2142 with glutamic acid.
Molecular consequence: missense variant.
Genome position (GRCh38, 1-based): chr11:17,612,751, A>G. VCF-style: chr11-17612751-A-G. GRCh37 (hg19) VCF-style: chr11-17634298-A-G.
Other names: c.6460A>G, p.Lys2154Glu (NM_001277269.2); short protein forms K2142E, K2154E.
Identifiers: ClinVar variation 2075767 (VCV002075767.4), dbSNP rs2497547034, ClinGen allele CA379804583.
Genomic context (GRCh38, chr11:17,612,751, plus strand): 5'-GCCATCTACATCCTCAGCCAGAGCCCAGATGAAATGCTCACCGTCCATGTACTGGACTGC[A>G]AAAGTGCCAACCTGGTGCCTGCCCCATACCTCCCTCCCTGCTGGGGACTAGGAATGGGAC-3'
Protein context (NP_001278992.1, residues 2132-2152): EMLTVHVLDC[Lys2142Glu]SANLGHLNWP